The following is an entry in ClinVar:

ClinVar aggregate classification (germline): Benign/Likely benign. Review status: criteria provided, multiple submitters, no conflicts (2 of 4 stars). 10 submissions from 10 submitters: Benign (8); Likely benign (1). 1 of the submissions does not count toward it. Last evaluated 2026-02-04.

Conditions:
Hermansky-Pudlak syndrome 1 (HPS1). Also called: DELTA STORAGE POOL DISEASE. Identifiers: Orphanet 231500, Orphanet 79430, MedGen C2931875, MONDO:0008748, OMIM 203300.
Hermansky-Pudlak syndrome (HPS). Also called: ALBINISM WITH HEMORRHAGIC DIATHESIS AND PIGMENTED RETICULOENDOTHELIAL CELLS. Identifiers: Orphanet 79430, MedGen C0079504, MONDO:0019312.

Allele frequency attached by ClinVar (database versions not stated): ESP Exome Variant Server 0.04367; gnomAD 0.04930 and 0.05046; TOPMed 0.04970; 1000 Genomes Project 30x 0.05918; ExAC 0.06335; 1000 Genomes Project 0.06390.
gnomAD v4.1: 97,274 of 1,613,862 alleles (6%); highest among the groups gnomAD compares: East Asian, 12%; 3,189 homozygotes.

Submissions (10):

Labcorp Genetics (formerly Invitae), Labcorp
Classification: Benign. Last evaluated: 2026-02-04. Review status: criteria provided, single submitter. Criteria: Invitae Variant Classification Sherloc (09022015). Collection method: clinical testing. Allele origin: germline.

Blueprint Genetics
Classification: Likely benign. Last evaluated: 2024-11-27. Review status: criteria provided, single submitter. Criteria: ACMG Guidelines, 2015. Collection method: clinical testing. Allele origin: germline.

Mayo Clinic Laboratories, Mayo Clinic
Classification: Benign. Last evaluated: 2022-09-29. Review status: criteria provided, single submitter. Criteria: ACMG Guidelines, 2015. Collection method: clinical testing. Allele origin: germline. Observed: 68 variant alleles.

Genome-Nilou Lab
Classification: Benign for Hermansky-Pudlak syndrome 1. Last evaluated: 2021-07-10. Review status: criteria provided, single submitter. Criteria: ACMG Guidelines, 2015. Collection method: clinical testing. Allele origin: germline. Affected: no.

GeneDx
Classification: Benign. Last evaluated: 2019-10-21. Review status: criteria provided, single submitter. Criteria: GeneDx Variant Classification Process June 2021. Collection method: clinical testing. Allele origin: germline. Affected: yes.

Illumina Laboratory Services, Illumina
Classification: Benign for Hermansky-Pudlak syndrome 1. Last evaluated: 2018-01-12. Review status: criteria provided, single submitter. Criteria: ICSL Variant Classification Criteria 13 December 2019. Collection method: clinical testing. Allele origin: germline.
Comment: This variant was observed in the ICSL laboratory as part of a predisposition screen in an ostensibly healthy population. It had not been previously curated by ICSL or reported in the Human Gene Mutation Database (HGMD: prior to June 1st, 2018), and was therefore a candidate for classification through an automated scoring system. Utilizing variant allele frequency, disease prevalence and penetrance estimates, and inheritance mode, an automated score was calculated to assess if this variant is too frequent to cause the disease. Based on the score and internal cut-off values, a variant classified as benign is not then subjected to further curation. The score for this variant resulted in a classification of benign for this disease.

Laboratory for Molecular Medicine, Mass General Brigham Personalized Medicine
Classification: Benign. Last evaluated: 2013-02-21. Review status: criteria provided, single submitter. Criteria: LMM Criteria. Collection method: clinical testing. Allele origin: germline. Observed: 10 variant alleles.
Comment: Thr99Thr in exon 5 of HPS1: This variant is not expected to have clinical signif icance because it does not alter an amino acid residue and is not located within the splice consensus sequence. It has been identified in 6.0% (512/8600) of Eur opean American chromosomes from a broad population by the NHLBI Exome Sequencing Project (dbSNP rs11539873).

Breakthrough Genomics
Classification: Benign. Review status: criteria provided, single submitter. Criteria: ACMG Guidelines, 2015. Collection method: not provided. Allele origin: germline. Inheritance: Autosomal recessive inheritance. Affected: yes.

PreventionGenetics, part of Exact Sciences
Classification: Benign. Review status: criteria provided, single submitter. Criteria: ACMG Guidelines, 2015. Collection method: clinical testing. Allele origin: germline.

Natera, Inc.
Classification: Benign for Hermansky-Pudlak syndrome. Last evaluated: 2020-09-16. Review status: no assertion criteria provided. Collection method: clinical testing. Allele origin: germline. Not counted in ClinVar's aggregate classification.

NM_000195.5(HPS1):c.297C>T (p.Thr99=)

Gene: HPS1 (HPS1 biogenesis of lysosomal organelles complex 3 subunit 1; minus strand). Cytogenetic location: 10q24.2.
Variant type: single nucleotide variant.
Coding change: c.297C>T on transcript NM_000195.5 (MANE Select); coding-DNA position 297, C replaced by T.
Protein change: p.Thr99=; no amino-acid change (threonine 99 retained).
Molecular consequence: synonymous variant. On other transcripts: 5 prime UTR variant (2), intron variant (7).
Genome position (GRCh38, 1-based): chr10:98,435,373, G>A on the plus strand (C>T on the coding strand, the complement: HPS1 is on the minus strand). VCF-style: chr10-98435373-G-A. GRCh37 (hg19) VCF-style: chr10-100195130-G-A.
Other names: p.Thr99=; c.-620C>T (NM_001311345.2); c.297C>T, p.Thr99= (NM_001322476.2, NM_001322477.2, NM_001322478.2 and 5 more transcripts); c.-719C>T (NM_001322487.2); c.29+262C>T (NM_001322483.2, NM_001322485.2, NM_001322484.2); c.255+262C>T (NM_001322480.2, NM_001322482.2, NM_001322481.2); c.-519+262C>T (NM_001322489.2).
Identifiers: ClinVar variation 163666 (VCV000163666.26), dbSNP rs11539873, ClinGen allele CA176290.